The following is an entry in ClinVar:

ClinVar aggregate classification (germline): Uncertain significance (0 of 4 stars; one submission).

Conditions:
SRP72-related disorder. Also called: SRP72-related condition.

Submission:

PreventionGenetics, part of Exact Sciences
Classification: Uncertain significance for SRP72-related condition. Last evaluated: 2024-05-17. Review status: no assertion criteria provided. Collection method: clinical testing. Allele origin: germline.
Comment: The SRP72 c.780G>A variant is not predicted to result in an amino acid change (p.=). To our knowledge, this variant has not been reported in the literature or in a large population database, indicating this variant is rare. At this time, the clinical significance of this variant is uncertain due to the absence of conclusive functional and genetic evidence.

NM_006947.4(SRP72):c.780G>A (p.Val260=)

Gene: SRP72 (signal recognition particle 72; plus strand). Cytogenetic location: 4q12.
Variant type: single nucleotide variant.
Coding change: c.780G>A on transcript NM_006947.4 (MANE Select); coding-DNA position 780, G replaced by A.
Protein change: p.Val260=; no amino-acid change (valine 260 retained).
Molecular consequence: synonymous variant. On other transcripts: non-coding transcript variant (1), intron variant (1).
Genome position (GRCh38, 1-based): chr4:56,478,604, G>A. VCF-style: chr4-56478604-G-A. GRCh37 (hg19) VCF-style: chr4-57344770-G-A.
Other names: c.642+1902G>A (NM_001267722.2).
Identifiers: ClinVar variation 3344212 (VCV003344212.1).
Genomic context (GRCh38, chr4:56,478,604, plus strand): 5'-TTCTTTTTAAAGGTTTGTTTGGTTTTGACTGTTGCTTGTTGTTCACAGACCAACAGATGT[G>A]GGATTACTAGCTGTAATTGCAAATAACATCATTACCATTAACAAGGTATGGAGTATTTGT-3'
Protein context (NP_008878.3, residues 250-270): NQIIKLKPTD[Val260=]GLLAVIANNI